The following is an entry in ClinVar:

ClinVar aggregate classification (germline): Pathogenic (1 of 4 stars; one submission).

Conditions:
Telangiectasia, hereditary hemorrhagic, type 2 (HHT2). Also called: ACVRL1-Related Hereditary Hemorrhagic Telangiectasia; Telangiectasia, hereditary hemorrhagic, type II. Identifiers: Orphanet 774, MedGen C1838163, MONDO:0010880, OMIM 600376. Disease mechanism: loss of function.

Submission:

Labcorp Genetics (formerly Invitae), Labcorp
Classification: Pathogenic for Telangiectasia, hereditary hemorrhagic, type 2. Last evaluated: 2024-04-15. Review status: criteria provided, single submitter. Criteria: Invitae Variant Classification Sherloc (09022015). Collection method: clinical testing. Allele origin: germline.
Comment: This sequence change replaces cysteine, which is neutral and slightly polar, with glycine, which is neutral and non-polar, at codon 471 of the ACVRL1 protein (p.Cys471Gly). This variant is not present in population databases (gnomAD no frequency). This missense change has been observed in individual(s) with hereditary hemorrhagic telangiectasia (Invitae). ClinVar contains an entry for this variant (Variation ID: 1015010). Advanced modeling of protein sequence and biophysical properties (such as structural, functional, and spatial information, amino acid conservation, physicochemical variation, residue mobility, and thermodynamic stability) performed at Invitae indicates that this missense variant is expected to disrupt ACVRL1 protein function with a positive predictive value of 95%. Algorithms developed to predict the effect of sequence changes on RNA splicing suggest that this variant may disrupt the consensus splice site. This variant disrupts the p.Cys471 amino acid residue in ACVRL1. Other variant(s) that disrupt this residue have been determined to be pathogenic (Invitae). This suggests that this residue is clinically significant, and that variants that disrupt this residue are likely to be disease-causing. For these reasons, this variant has been classified as Pathogenic.

NM_000020.3(ACVRL1):c.1411T>G (p.Cys471Gly)

Gene: ACVRL1 (activin A receptor like type 1; plus strand). Cytogenetic location: 12q13.13.
Variant type: single nucleotide variant.
Coding change: c.1411T>G on transcript NM_000020.3 (MANE Select); coding-DNA position 1411, T replaced by G.
Protein change: p.Cys471Gly; replaces cysteine 471 with glycine.
Molecular consequence: missense variant.
Genome position (GRCh38, 1-based): chr12:51,920,792, T>G. VCF-style: chr12-51920792-T-G. GRCh37 (hg19) VCF-style: chr12-52314576-T-G.
Other names: c.1411T>G, p.Cys471Gly (NM_001077401.2); short protein forms C471G.
Identifiers: ClinVar variation 1015010 (VCV001015010.9), dbSNP rs1940955180, ClinGen allele CA384905480.